The following is an entry in ClinVar:

ClinVar aggregate classification (germline): Conflicting classifications of pathogenicity. Review status: criteria provided, conflicting classifications (1 of 4 stars). 3 submissions from 3 submitters: Likely pathogenic (2); Uncertain significance (1). Last evaluated 2024-07-26.

Conditions:
Developmental and epileptic encephalopathy, 42 (DEE42A). Also called: DEVELOPMENTAL AND EPILEPTIC ENCEPHALOPATHY 42A; EPILEPTIC ENCEPHALOPATHY, EARLY INFANTILE, 42A; Epileptic encephalopathy, early infantile, 42. Identifiers: MedGen C4310716, MONDO:0014917, OMIM 617106.

Submissions (3):

3billion
Classification: Likely pathogenic for Developmental and epileptic encephalopathy, 42. Last evaluated: 2024-07-26. Review status: criteria provided, single submitter. Criteria: ACMG Guidelines, 2015. Collection method: clinical testing. Allele origin: germline. Affected: yes.
Comment: The variant is not observed in the gnomAD v4.0.0 dataset. Predicted Consequence/Location: Missense variant In silico tool predictions suggest damaging effect of the variant on gene or gene product [REVEL: 0.92 (>=0.6, sensitivity 0.68 and specificity 0.92); 3Cnet: 0.98 (>=0.6, sensitivity 0.72 and precision 0.9)]. The same nucleotide change resulting in the same amino acid change has been previously reported to be associated with CACNA1A related disorder (ClinVar ID: VCV000624129).A different missense change at the same codon (p.Cys272Tyr) has been reported as pathogenic/likely pathogenic with strong evidence (ClinVar ID: VCV001454996 /PMID: 25596066). Therefore, this variant is classified as Likely pathogenic according to the recommendation of ACMG/AMP guideline.

Blueprint Genetics
Classification: Uncertain significance. Last evaluated: 2018-12-14. Review status: criteria provided, single submitter. Criteria: ACMG Guidelines, 2015. Collection method: clinical testing. Allele origin: germline.

CeGaT Center for Human Genetics Tuebingen
Classification: Likely pathogenic. Last evaluated: 2018-04-01. Review status: criteria provided, single submitter. Criteria: CeGaT Center For Human Genetics Tuebingen Variant Classification Criteria Version 2. Collection method: clinical testing. Allele origin: germline. Affected: yes. Observed: 1 variant allele.

Literature cited by the submitters: PubMed 25596066 (cited by 3billion).

NM_001127222.2(CACNA1A):c.814T>C (p.Cys272Arg)

Gene: CACNA1A (calcium voltage-gated channel subunit alpha1 A; minus strand). Cytogenetic location: 19p13.13.
Variant type: single nucleotide variant.
Coding change: c.814T>C on transcript NM_001127222.2 (MANE Select); coding-DNA position 814, T replaced by C.
Protein change: p.Cys272Arg; replaces cysteine 272 with arginine.
Molecular consequence: missense variant.
Genome position (GRCh38, 1-based): chr19:13,359,770, A>G on the plus strand (T>C on the coding strand, the complement: CACNA1A is on the minus strand). VCF-style: chr19-13359770-A-G. GRCh37 (hg19) VCF-style: chr19-13470584-A-G.
Other names: c.814T>C, p.Cys272Arg (NM_000068.4, NM_001127221.2, NM_001174080.2 and 1 more transcripts); short protein forms C272R.
Identifiers: ClinVar variation 624129 (VCV000624129.44), dbSNP rs1568569290, ClinGen allele CA404347369.
Genomic context (GRCh38, chr19:13,359,770, plus strand): 5'-CCCAGTAGGGCTGACATTTGGTCCCATTGGGGCAGGTGCGGGCGGGCTCTTCTGTCCCAC[A>G]TGGAGCCGGAGACTCACCCTGAATGTCATCTACAAAAGGGAAGGGGAGAAAAGTCAGGGG-3'
Protein context (NP_001120694.1, residues 262-282): DDIQGESPAP[Cys272Arg]GTEEPARTCP